The following is an entry in ClinVar:

ClinVar aggregate classification (germline): Uncertain significance (1 of 4 stars; one submission).

Conditions:
Inborn genetic diseases. Identifiers: MedGen C0950123, MeSH D030342.

Submission:

Ambry Genetics
Classification: Uncertain significance for Inborn genetic diseases. Last evaluated: 2025-03-26. Review status: criteria provided, single submitter. Criteria: Ambry Variant Classification Scheme 2023. Collection method: clinical testing. Allele origin: germline.
Comment: The p.P386L variant (also known as c.1157C>T), located in coding exon 8 of the RUNX1 gene, results from a C to T substitution at nucleotide position 1157. The proline at codon 386 is replaced by leucine, an amino acid with similar properties. This amino acid position is conserved. In addition, the in silico prediction for this alteration is inconclusive. Based on the available evidence, the clinical significance of this variant remains unclear.

NM_001754.5(RUNX1):c.1157C>T (p.Pro386Leu)

Gene: RUNX1 (RUNX family transcription factor 1; minus strand). Cytogenetic location: 21q22.12.
Variant type: single nucleotide variant.
Coding change: c.1157C>T on transcript NM_001754.5 (MANE Select); coding-DNA position 1157, C replaced by T.
Protein change: p.Pro386Leu; replaces proline 386 with leucine.
Molecular consequence: missense variant.
Genome position (GRCh38, 1-based): chr21:34,792,421, G>A on the plus strand (C>T on the coding strand, the complement: RUNX1 is on the minus strand). VCF-style: chr21-34792421-G-A. GRCh37 (hg19) VCF-style: chr21-36164718-G-A.
Other names: c.1076C>T, p.Pro359Leu (NM_001001890.3); short protein forms P386L, P359L.
Identifiers: ClinVar variation 3948846 (VCV003948846.1).
Genomic context (GRCh38, chr21:34,792,421, plus strand): 5'-TACAGGTGGTAGGAGGGCGAGCTGGCTTGGAACGGGCCTCCCTGCGCTTGCGACGAGCCG[G>A]GGTAGGGCGGCGGCAGGTAGGTGTGGTAGCGCGTGGCCGAGCCCATGGCCGACATGCCGA-3'
Protein context (NP_001745.2, residues 376-396): RYHTYLPPPY[Pro386Leu]GSSQAQGGPF